The following is an entry in ClinVar:

ClinVar aggregate classification (germline): Benign/Likely benign. Review status: criteria provided, multiple submitters, no conflicts (2 of 4 stars). 2 submissions from 2 submitters: Benign (1); Likely benign (1). Last evaluated 2024-08-01.

Conditions:
Hereditary cancer-predisposing syndrome. Also called: Neoplastic Syndromes, Hereditary; Tumor predisposition; Hereditary Cancer Syndrome; Hereditary neoplastic syndrome. Identifiers: Orphanet 140162, MedGen C0027672, MeSH D009386, MONDO:0015356.
Juvenile polyposis syndrome (JPS). Identifiers: Orphanet 2929, MedGen C0345893, MONDO:0017380, OMIM 174900.

Submissions (2):

Myriad Genetics, Inc.
Classification: Benign for Juvenile polyposis syndrome. Last evaluated: 2024-08-01. Review status: criteria provided, single submitter. Criteria: Myriad Autosomal Dominant, Autosomal Recessive and X-Linked Classification Criteria (2023). Collection method: clinical testing. Allele origin: unknown.
Comment: This variant is considered benign. This variant is a silent/synonymous amino acid change and it is not expected to impact splicing.

Ambry Genetics
Classification: Likely benign for Hereditary cancer-predisposing syndrome. Last evaluated: 2020-01-27. Review status: criteria provided, single submitter. Criteria: Ambry Variant Classification Scheme 2023. Collection method: clinical testing. Allele origin: germline.

NM_004329.3(BMPR1A):c.381C>A (p.Thr127=)

Gene: BMPR1A (bone morphogenetic protein receptor type 1A; plus strand). Cytogenetic location: 10q23.2.
Variant type: single nucleotide variant.
Coding change: c.381C>A on transcript NM_004329.3 (MANE Select); coding-DNA position 381, C replaced by A.
Protein change: p.Thr127=; no amino-acid change (threonine 127 retained).
Molecular consequence: synonymous variant. On other transcripts: non-coding transcript variant (3), intron variant (1).
Genome position (GRCh38, 1-based): chr10:86,899,841, C>A. VCF-style: chr10-86899841-C-A. GRCh37 (hg19) VCF-style: chr10-88659598-C-A.
Other names: c.381C>A, p.Thr127= (NM_001406559.1, NM_001406560.1, NM_001406561.1 and 22 more transcripts); c.297C>A, p.Thr99= (NM_001406584.1, NM_001406585.1, NM_001406586.1 and 2 more transcripts); c.333+7612C>A (NM_001406589.1).
Identifiers: ClinVar variation 1735226 (VCV001735226.3), dbSNP rs529441844, ClinGen allele CA470306538.